The following is an entry in ClinVar:

ClinVar aggregate classification (germline): Uncertain significance. Review status: criteria provided, multiple submitters, no conflicts (2 of 4 stars). 2 submissions from 2 submitters: Uncertain significance (2). Last evaluated 2025-06-13.

Conditions:
Familial adenomatous polyposis 1 (FAP1). Also called: FAMILIAL ADENOMATOUS POLYPOSIS 1, ATTENUATED; POLYPOSIS, ADENOMATOUS INTESTINAL. Identifiers: MedGen C2713442, MONDO:0021056, OMIM 175100. Disease mechanism: loss of function.
Hereditary cancer-predisposing syndrome. Also called: Tumor predisposition; Hereditary Cancer Syndrome; Hereditary neoplastic syndrome; Neoplastic Syndromes, Hereditary. Identifiers: Orphanet 140162, MedGen C0027672, MeSH D009386, MONDO:0015356.

Allele frequency attached by ClinVar (database versions not stated): gnomAD 0.00001.
gnomAD v4.1: 1 of 1,611,338 alleles (0.000062%); highest among the groups gnomAD compares: African/African-American, 0.0013%; no homozygotes.

Submissions (2):

Ambry Genetics
Classification: Uncertain significance for Hereditary cancer-predisposing syndrome. Last evaluated: 2025-06-13. Review status: criteria provided, single submitter. Criteria: Ambry Variant Classification Scheme 2023. Collection method: clinical testing. Allele origin: germline.
Comment: The p.E56D variant (also known as c.168A>C), located in coding exon 2 of the APC gene, results from an A to C substitution at nucleotide position 168. The glutamic acid at codon 56 is replaced by aspartic acid, an amino acid with highly similar properties. This amino acid position is highly conserved in available vertebrate species. In addition, in silico predictors for this gene do not accurately predict pathogenicity. Missense alterations in APC are not a common cause of disease (Spier I et al. Genet Med. 2024 Feb;26(2):100992). Based on the available evidence, the clinical significance of this variant remains unclear.

Labcorp Genetics (formerly Invitae), Labcorp
Classification: Uncertain significance for Familial adenomatous polyposis 1. Last evaluated: 2022-08-23. Review status: criteria provided, single submitter. Criteria: Invitae Variant Classification Sherloc (09022015). Collection method: clinical testing. Allele origin: germline.
Comment: In summary, the available evidence is currently insufficient to determine the role of this variant in disease. Therefore, it has been classified as a Variant of Uncertain Significance. Algorithms developed to predict the effect of missense changes on protein structure and function (SIFT, PolyPhen-2, Align-GVGD) all suggest that this variant is likely to be tolerated. ClinVar contains an entry for this variant (Variation ID: 1444231). This variant has not been reported in the literature in individuals affected with APC-related conditions. This variant is not present in population databases (gnomAD no frequency). This sequence change replaces glutamic acid, which is acidic and polar, with aspartic acid, which is acidic and polar, at codon 56 of the APC protein (p.Glu56Asp).

NM_000038.6(APC):c.168A>C (p.Glu56Asp)

Gene: APC (APC regulator of Wnt signaling pathway; plus strand). Cytogenetic location: 5q22.2.
Variant type: single nucleotide variant.
Coding change: c.168A>C on transcript NM_000038.6 (MANE Select); coding-DNA position 168, A replaced by C.
Protein change: p.Glu56Asp; replaces glutamic acid 56 with aspartic acid.
Molecular consequence: missense variant. On other transcripts: 5 prime UTR variant (4).
Genome position (GRCh38, 1-based): chr5:112,766,358, A>C. VCF-style: chr5-112766358-A-C. GRCh37 (hg19) VCF-style: chr5-112102055-A-C.
Other names: c.168A>C (NM_000038.5); c.168A>C, p.Glu56Asp (NM_001127510.3, NM_001354895.2, NM_001354896.2 and 2 more transcripts); c.198A>C, p.Glu66Asp (NM_001127511.3, NM_001354897.2, NM_001354902.2); c.93A>C, p.Glu31Asp (NM_001354898.2, NM_001354904.2); c.-10A>C (NM_001354900.2, NM_001354901.2, NM_001354905.2); c.-868A>C (NM_001354906.2); short protein forms E31D, E56D, E66D.
Identifiers: ClinVar variation 1444231 (VCV001444231.7), dbSNP rs1554069532, ClinGen allele CA16021712.